The following is an entry in ClinVar:

ClinVar aggregate classification (germline): Uncertain significance. Review status: criteria provided, multiple submitters, no conflicts (2 of 4 stars). 2 submissions from 2 submitters: Uncertain significance (2). Last evaluated 2025-06-10.

Conditions:
AUTS2-related disorder. Also called: AUTS2-related condition.
Inborn genetic diseases. Identifiers: MedGen C0950123, MeSH D030342.

Submissions (2):

Ambry Genetics
Classification: Uncertain significance for Inborn genetic diseases. Last evaluated: 2025-06-10. Review status: criteria provided, single submitter. Criteria: Ambry Variant Classification Scheme 2023. Collection method: clinical testing. Allele origin: germline.

PreventionGenetics, part of Exact Sciences
Classification: Uncertain significance for AUTS2-related condition. Last evaluated: 2024-11-13. Review status: criteria provided, single submitter. Criteria: ACMG Guidelines, 2015. Collection method: clinical testing. Allele origin: germline.
Comment: The AUTS2 c.3508G>A variant is predicted to result in the amino acid substitution p.Val1170Met. To our knowledge, this variant has not been reported in the literature. This variant is reported in 0.0033% of alleles in individuals of South Asian descent in gnomAD. At this time, the clinical significance of this variant is uncertain due to the absence of conclusive functional and genetic evidence.

NM_015570.4(AUTS2):c.3508G>A (p.Val1170Met)

Gene: AUTS2 (activator of transcription and developmental regulator AUTS2; plus strand). Cytogenetic location: 7q11.22.
Variant type: single nucleotide variant.
Coding change: c.3508G>A on transcript NM_015570.4 (MANE Select); coding-DNA position 3508, G replaced by A.
Protein change: p.Val1170Met; replaces valine 1170 with methionine.
Molecular consequence: missense variant.
Genome position (GRCh38, 1-based): chr7:70,790,724, G>A. VCF-style: chr7-70790724-G-A. GRCh37 (hg19) VCF-style: chr7-70255710-G-A.
Other names: c.3508G>A (NM_015570.3); c.3436G>A, p.Val1146Met (NM_001127231.3); short protein forms V1170M, V1146M.
Identifiers: ClinVar variation 3979065 (VCV003979065.2).
Genomic context (GRCh38, chr7:70,790,724, plus strand): 5'-GACGAGCGGGAGCGCTTGCACATGCTCAGAGAAGACTACGAGCACACGCGGCTCCACTCC[G>A]TGCACCCCGCCTCCCTCGACGGACACCTCCCCCACCCCAGCCTCATCACCCCGGGACTCC-3'
Protein context (NP_056385.1, residues 1160-1180): EDYEHTRLHS[Val1170Met]HPASLDGHLP